The following is an entry in ClinVar:

NM_031418.4(ANO3):c.427_430del (p.Ser143fs)

Gene: ANO3 (anoctamin 3; plus strand). Cytogenetic location: 11p14.2.
Variant type: Deletion.
Coding change: c.427_430del on transcript NM_031418.4 (MANE Select); coding-DNA positions 427 to 430, 4 bases deleted (TCTA; older notation c.427_430delTCTA).
Protein change: p.Ser143fs; shifts the reading frame from serine 143.
Molecular consequence: frameshift variant.
Genome position (GRCh38, 1-based): chr11:26,463,143-26,463,146, TCTA deleted; deleting any 4 consecutive bases within chr11:26,463,141-26,463,146 gives the same sequence; the c. name uses the placement nearest the transcript's 3' end. VCF-style (leftmost placement, unchanged base first): chr11-26463140-TTATC-T. GRCh37 (hg19) VCF-style: chr11-26484687-TTATC-T.
Other names: c.610_613del, p.Ser204fs (NM_001313726.2); short protein forms S143fs, S204fs.
Identifiers: ClinVar variation 3359924 (VCV003359924.1).

ClinVar aggregate classification (germline): Uncertain significance (1 of 4 stars; one submission).

Submission:

GeneDx
Classification: Uncertain significance. Last evaluated: 2023-06-20. Review status: criteria provided, single submitter. Criteria: GeneDx Variant Classification Process June 2021. Collection method: clinical testing. Allele origin: germline. Affected: yes.
Comment: Not observed at significant frequency in large population cohorts (gnomAD); Frameshift variant predicted to result in protein truncation or nonsense mediated decay in a gene for which loss-of-function is not a known mechanism of disease.; Has not been previously published as pathogenic or benign to our knowledge